The following is an entry in ClinVar:

NM_004329.3(BMPR1A):c.205G>T (p.Asp69Tyr)

Gene: BMPR1A (bone morphogenetic protein receptor type 1A; plus strand). Cytogenetic location: 10q23.2.
Variant type: single nucleotide variant.
Coding change: c.205G>T on transcript NM_004329.3 (MANE Select); coding-DNA position 205, G replaced by T.
Protein change: p.Asp69Tyr; replaces aspartic acid 69 with tyrosine.
Molecular consequence: missense variant.
Genome position (GRCh38, 1-based): chr10:86,890,199, G>T. VCF-style: chr10-86890199-G-T. GRCh37 (hg19) VCF-style: chr10-88649956-G-T.
Other names: short protein forms D69Y.
Identifiers: ClinVar variation 529947 (VCV000529947.14), dbSNP rs1177143902, ClinGen allele CA377447137.

ClinVar aggregate classification (germline): Uncertain significance. Review status: criteria provided, multiple submitters, no conflicts (2 of 4 stars). 2 submissions from 2 submitters: Uncertain significance (2). Last evaluated 2024-04-29.

Conditions:
Hereditary cancer-predisposing syndrome. Also called: Neoplastic Syndromes, Hereditary; Hereditary neoplastic syndrome; Tumor predisposition; Hereditary Cancer Syndrome. Identifiers: Orphanet 140162, MedGen C0027672, MeSH D009386, MONDO:0015356.
Juvenile polyposis syndrome (JPS). Identifiers: Orphanet 2929, MedGen C0345893, MONDO:0017380, OMIM 174900.

Submissions (2):

Labcorp Genetics (formerly Invitae), Labcorp
Classification: Uncertain significance for Juvenile polyposis syndrome. Last evaluated: 2024-04-29. Review status: criteria provided, single submitter. Criteria: Invitae Variant Classification Sherloc (09022015). Collection method: clinical testing. Allele origin: germline.
Comment: This sequence change replaces aspartic acid, which is acidic and polar, with tyrosine, which is neutral and polar, at codon 69 of the BMPR1A protein (p.Asp69Tyr). This variant is not present in population databases (gnomAD no frequency). This variant has not been reported in the literature in individuals affected with BMPR1A-related conditions. ClinVar contains an entry for this variant (Variation ID: 529947). Advanced modeling performed at Invitae incorporating data from internal and/or published experimental studies (Invitae) indicates that this missense variant is not expected to disrupt BMPR1A function with a negative predictive value of 95%. In summary, the available evidence is currently insufficient to determine the role of this variant in disease. Therefore, it has been classified as a Variant of Uncertain Significance.

Ambry Genetics
Classification: Uncertain significance for Hereditary cancer-predisposing syndrome. Last evaluated: 2019-11-01. Review status: criteria provided, single submitter. Criteria: Ambry Variant Classification Scheme 2023. Collection method: clinical testing. Allele origin: germline.
Comment: The p.D69Y variant (also known as c.205G>T), located in coding exon 2 of the BMPR1A gene, results from a G to T substitution at nucleotide position 205. The aspartic acid at codon 69 is replaced by tyrosine, an amino acid with highly dissimilar properties. This amino acid position is well conserved in available vertebrate species. In addition, this alteration is predicted to be deleterious by in silico analysis. Since supporting evidence is limited at this time, the clinical significance of this alteration remains unclear.